The following is an entry in ClinVar:

NM_001165963.4(SCN1A):c.4002+2452G>A

Genes: SCN1A (sodium voltage-gated channel alpha subunit 1; minus strand), LOC102724058 (uncharacterized LOC102724058; plus strand). Cytogenetic location: 2q24.3.
Variant type: single nucleotide variant.
Coding change: c.4002+2452G>A on transcript NM_001165963.4 (MANE Select); 2452 bases into the intron after coding-DNA position 4002, G replaced by A.
Molecular consequence: intron variant. On other transcripts: non-coding transcript variant (1).
Genome position (GRCh38, 1-based): chr2:166,007,267, C>T on the plus strand (G>A on the coding strand, the complement: SCN1A is on the minus strand). VCF-style: chr2-166007267-C-T. GRCh37 (hg19) VCF-style: chr2-166863777-C-T.
Other names: c.3969+2452G>A (NM_001353949.2, NM_001353950.2, NM_001353951.2 and 2 more transcripts); c.3918+2452G>A (NM_001353958.2, NM_001353957.2, NM_001165964.3); c.4002+2452G>A (NM_001202435.3, NM_001353948.2); c.3966+2452G>A (NM_001353955.2, NM_001353954.2); c.3915+2452G>A (NM_001353960.2); c.1560+2452G>A (NM_001353961.2).
Identifiers: ClinVar variation 2028382 (VCV002028382.4), dbSNP rs2468471456, ClinGen allele CA2580064268.

ClinVar aggregate classification (germline): Uncertain significance (1 of 4 stars; one submission).

Conditions:
Early-infantile DEE. Also called: Ohtahara syndrome; Early infantile epileptic encephalopathy with suppression bursts; Early infantile epileptic encephalopathy. Identifiers: Orphanet 1934, MedGen C0393706, MONDO:0800491.

Submission:

Labcorp Genetics (formerly Invitae), Labcorp
Classification: Uncertain significance for Early-infantile DEE. Last evaluated: 2025-06-01. Review status: criteria provided, single submitter. Criteria: Invitae Variant Classification Sherloc (09022015). Collection method: clinical testing. Allele origin: germline.
Comment: This sequence change falls in intron 20 of the SCN1A gene. It does not directly change the encoded amino acid sequence of the SCN1A protein. However, this sequence change falls within a region encompassing a cryptic exon in the SCN1A gene, in which variants have been shown to alter splicing (PMID: 30526861, 34107977). This variant is not present in population databases (gnomAD no frequency). This variant has not been reported in the literature in individuals affected with SCN1A-related conditions. ClinVar contains an entry for this variant (Variation ID: 2028382). Algorithms developed to predict the effect of sequence changes on RNA splicing suggest that this variant may create or strengthen a splice site. In summary, the available evidence is currently insufficient to determine the role of this variant in disease. Therefore, it has been classified as a Variant of Uncertain Significance.

Literature cited by the submitters: PubMed 30526861; PubMed 34107977.